The following is an entry in ClinVar:

ClinVar aggregate classification (germline): Uncertain significance (1 of 4 stars; one submission).

Submission:

Ambry Genetics
Classification: Uncertain significance. Last evaluated: 2023-11-29. Review status: criteria provided, single submitter. Criteria: Ambry Variant Classification Scheme 2023. Collection method: clinical testing. Allele origin: germline.
Comment: The p.S273G variant (also known as c.817A>G), located in coding exon 9 of the NPAT gene, results from an A to G substitution at nucleotide position 817. The serine at codon 273 is replaced by glycine, an amino acid with similar properties. This amino acid position is conserved. In addition, this alteration is predicted to be tolerated by in silico analysis. Since supporting evidence is limited at this time, the clinical significance of this alteration remains unclear.

NM_002519.3(NPAT):c.817A>G (p.Ser273Gly)

Gene: NPAT (nuclear protein, coactivator of histone transcription; minus strand). Cytogenetic location: 11q22.3.
Variant type: single nucleotide variant.
Coding change: c.817A>G on transcript NM_002519.3 (MANE Select); coding-DNA position 817, A replaced by G.
Protein change: p.Ser273Gly; replaces serine 273 with glycine.
Molecular consequence: missense variant.
Genome position (GRCh38, 1-based): chr11:108,185,404, T>C on the plus strand (A>G on the coding strand, the complement: NPAT is on the minus strand). VCF-style: chr11-108185404-T-C. GRCh37 (hg19) VCF-style: chr11-108056131-T-C.
Other names: c.817A>G, p.Ser273Gly (NM_001321307.1); short protein forms S273G.
Identifiers: ClinVar variation 3222647 (VCV003222647.1), dbSNP rs2496738050, ClinGen allele CA382520562.
Genomic context (GRCh38, chr11:108,185,404, plus strand): 5'-TTATTATAGTTATGCAATTAGGCAAAAACAATTAGGCATTTTAAACATATATAGCTTACC[T>C]AGTTAAAAATTTATTTATGTTTTCTGCTAGCTTTTCTTGAAGAGATTTGTTGCTTAGTAT-3'
Protein context (NP_002510.2, residues 263-283): LAENINKFLT[Ser273Gly]DNNIAQVPKQ